The following is an entry in ClinVar:

ClinVar aggregate classification (germline): Uncertain significance. Review status: criteria provided, multiple submitters, no conflicts (2 of 4 stars). 2 submissions from 2 submitters: Uncertain significance (2). Last evaluated 2024-12-19.

Conditions:
Cardiomyopathy (CMYO). Also called: Cardiomyopathies. Identifiers: Orphanet 167848, MedGen C0878544, MONDO:0004994, HP:0001638. Inheritance: Various modes of inheritance.

Submissions (2):

GeneDx
Classification: Uncertain significance. Last evaluated: 2024-12-19. Review status: criteria provided, single submitter. Criteria: GeneDx Variant Classification Process June 2021. Collection method: clinical testing. Allele origin: germline. Affected: yes.
Comment: Not observed at significant frequency in large population cohorts (gnomAD); In silico analysis supports that this missense variant has a deleterious effect on protein structure/function; Has not been previously published as pathogenic or benign to our knowledge; This variant is associated with the following publications: (PMID: 19926015)

Color Diagnostics, LLC DBA Color Health
Classification: Uncertain significance for Cardiomyopathy. Last evaluated: 2023-12-05. Review status: criteria provided, single submitter. Criteria: ACMG Guidelines, 2015. Collection method: clinical testing. Allele origin: germline.
Comment: This missense variant replaces glycine with glutamic acid at codon 709 of the RYR2 protein. Computational prediction tools and conservation analyses suggest that this variant may have deleterious impact on the protein function. Computational splicing tools suggest that this variant may not impact RNA splicing. To our knowledge, functional assays have not been performed for this variant nor has this variant been reported in individuals affected with cardiovascular disorders in the literature. This variant has not been identified in the general population by the Genome Aggregation Database (gnomAD). Available evidence is insufficient to determine the role of this variant in disease conclusively. Therefore, this variant is classified as a Variant of Uncertain Significance.

NM_001035.3(RYR2):c.2126G>A (p.Gly709Glu)

Gene: RYR2 (ryanodine receptor 2; plus strand). Cytogenetic location: 1q43.
Variant type: single nucleotide variant.
Coding change: c.2126G>A on transcript NM_001035.3 (MANE Select); coding-DNA position 2126, G replaced by A.
Protein change: p.Gly709Glu; replaces glycine 709 with glutamic acid.
Molecular consequence: missense variant.
Genome position (GRCh38, 1-based): chr1:237,496,675, G>A. VCF-style: chr1-237496675-G-A. GRCh37 (hg19) VCF-style: chr1-237659975-G-A.
Other names: c.2126G>A (NM_001035.2); short protein forms G709E.
Identifiers: ClinVar variation 920749 (VCV000920749.6), dbSNP rs1664109062, ClinGen allele CA345392038.